The following is an entry in ClinVar:

ClinVar aggregate classification (germline): Conflicting classifications of pathogenicity. Review status: criteria provided, conflicting classifications (1 of 4 stars). 2 submissions from 2 submitters: Uncertain significance (1); Likely benign (1). Last evaluated 2023-03-23.

Conditions:
Hereditary cancer-predisposing syndrome. Also called: Hereditary Cancer Syndrome; Tumor predisposition; Hereditary neoplastic syndrome; Neoplastic Syndromes, Hereditary. Identifiers: Orphanet 140162, MedGen C0027672, MeSH D009386, MONDO:0015356.
Hereditary breast ovarian cancer syndrome. Also called: Hereditary breast and ovarian cancer syndrome (HBOC); Breast and ovarian cancer; Hereditary breast and ovarian cancer syndrome; Hereditary breast and/or ovarian cancer syndrome; Hereditary breast and ovarian cancer; BRCA1- and BRCA2-Associated Hereditary Breast and Ovarian Cancer. Identifiers: Orphanet 145, MedGen C0677776, MeSH D061325, MONDO:0003582. Disease mechanism: loss of function.

Submissions (2):

University of Washington Department of Laboratory Medicine, University of Washington
Classification: Likely benign for Hereditary cancer-predisposing syndrome. Last evaluated: 2023-03-23. Review status: criteria provided, single submitter. Criteria: Dines et al. (Genet Med. 2020). Collection method: curation. Allele origin: germline.
Comment: Missense variant in a coldspot region where missense variants are very unlikely to be pathogenic (PMID:31911673).

BRCA2 exon 10 coldspot. Reclassification based on statistical prior probability.

Labcorp Genetics (formerly Invitae), Labcorp
Classification: Uncertain significance for Hereditary breast ovarian cancer syndrome. Last evaluated: 2022-08-09. Review status: criteria provided, single submitter. Criteria: Invitae Variant Classification Sherloc (09022015). Collection method: clinical testing. Allele origin: germline.
Comment: In summary, the available evidence is currently insufficient to determine the role of this variant in disease. Therefore, it has been classified as a Variant of Uncertain Significance. Advanced modeling of protein sequence and biophysical properties (such as structural, functional, and spatial information, amino acid conservation, physicochemical variation, residue mobility, and thermodynamic stability) performed at Invitae indicates that this missense variant is not expected to disrupt BRCA2 protein function. ClinVar contains an entry for this variant (Variation ID: 1410363). This missense change has been observed in individual(s) with breast cancer (PMID: 30287823). This variant is not present in population databases (gnomAD no frequency). This sequence change replaces alanine, which is neutral and non-polar, with serine, which is neutral and polar, at codon 618 of the BRCA2 protein (p.Ala618Ser).

Literature cited by the submitters: PubMed 30287823 (cited by Labcorp Genetics (formerly Invitae), Labcorp).

NM_000059.4(BRCA2):c.1852G>T (p.Ala618Ser)

Gene: BRCA2 (BRCA2 DNA repair associated; plus strand). Cytogenetic location: 13q13.1.
Variant type: single nucleotide variant.
Coding change: c.1852G>T on transcript NM_000059.4 (MANE Select); coding-DNA position 1852, G replaced by T.
Protein change: p.Ala618Ser; replaces alanine 618 with serine.
Molecular consequence: missense variant.
Genome position (GRCh38, 1-based): chr13:32,333,330, G>T. VCF-style: chr13-32333330-G-T. GRCh37 (hg19) VCF-style: chr13-32907467-G-T.
Other names: short protein forms A618S.
Identifiers: ClinVar variation 1410363 (VCV001410363.9), dbSNP rs80358475, ClinGen allele CA387766393.